The following is an entry in ClinVar:

ClinVar aggregate classification (germline): Uncertain significance (1 of 4 stars; one submission).

Conditions:
Benign neonatal seizures. Also called: Benign familial neonatal epilepsy; Convulsions benign familial neonatal dominant form; Autosomal dominant form of benign neonatal seizures; Benign neonatal familial convulsions; Benign familial neonatal seizures. Identifiers: Orphanet 1949, MedGen C0220669, MONDO:0016027.

Submission:

Labcorp Genetics (formerly Invitae), Labcorp
Classification: Uncertain significance for Benign neonatal seizures. Last evaluated: 2024-10-08. Review status: criteria provided, single submitter. Criteria: Invitae Variant Classification Sherloc (09022015). Collection method: clinical testing. Allele origin: germline.
Comment: This sequence change replaces proline, which is neutral and non-polar, with alanine, which is neutral and non-polar, at codon 82 of the KCNQ3 protein (p.Pro82Ala). This variant is not present in population databases (gnomAD no frequency). This variant has not been reported in the literature in individuals affected with KCNQ3-related conditions. Invitae Evidence Modeling of protein sequence and biophysical properties (such as structural, functional, and spatial information, amino acid conservation, physicochemical variation, residue mobility, and thermodynamic stability) indicates that this missense variant is not expected to disrupt KCNQ3 protein function with a negative predictive value of 95%. In summary, the available evidence is currently insufficient to determine the role of this variant in disease. Therefore, it has been classified as a Variant of Uncertain Significance.

NM_004519.4(KCNQ3):c.244C>G (p.Pro82Ala)

Gene: KCNQ3 (potassium voltage-gated channel subfamily Q member 3; minus strand). Cytogenetic location: 8q24.22.
Variant type: single nucleotide variant.
Coding change: c.244C>G on transcript NM_004519.4 (MANE Select); coding-DNA position 244, C replaced by G.
Protein change: p.Pro82Ala; replaces proline 82 with alanine.
Molecular consequence: missense variant.
Genome position (GRCh38, 1-based): chr8:132,480,289, G>C on the plus strand (C>G on the coding strand, the complement: KCNQ3 is on the minus strand). VCF-style: chr8-132480289-G-C. GRCh37 (hg19) VCF-style: chr8-133492536-G-C.
Other names: short protein forms P82A.
Identifiers: ClinVar variation 3633651 (VCV003633651.2).
Genomic context (GRCh38, chr8:132,480,289, plus strand): 5'-CGTTGTTTCTCTTGACTGGGCGGCTCAGCGGGGTCTTGGCCAGGAGCCCGATGCCCTGCG[G>C]GGTCCTCCGCTGCCCCTCGTCGCGGCCGCCGCCCTCCAGCAGCAGGGTCCCGTCTTTGTC-3'
Protein context (NP_004510.1, residues 72-92): GGRDEGQRRT[Pro82Ala]QGIGLLAKTP